The following continues an entry in ClinVar:

NM_000059.4(BRCA2):c.1763_1766del (p.Asn588fs)

Gene: BRCA2. ClinVar aggregate classification (germline): Pathogenic. Pathogenic (1).

Submissions 10 to 15 of 15:

ARUP Laboratories, Molecular Genetics and Genomics, ARUP Laboratories
Classification: Pathogenic. Last evaluated: 2017-11-20. Review status: criteria provided, single submitter. Criteria: ARUP Molecular Germline Variant Investigation Process. Collection method: clinical testing. Allele origin: germline. Not counted in ClinVar's aggregate classification.
Comment: The BRCA2 c.1763_1766delATAA; p.Asn588fs (traditionally known as 1991_1994del4) is published in the medical literature in individuals and families with breast cancer (Kanaan 2003, Torres 2017). The variant is listed in the ClinVar database (Variation ID: 51187), in the dbSNP variant database (rs80359303), but not in the general population-based databases (Exome Variant Server, Genome Aggregation Database). The variant deletes four nucleotides, results in a premature termination codon, and is predicted to result in a truncated protein or mRNA subject to nonsense-mediated decay. Considering available information, this variant is classified as pathogenic. References: Kanaan Y et al. Inherited BRCA2 mutations in African Americans with breast and/or ovarian cancer: a study of familial and early onset cases. Hum Genet. 2003 Oct;113(5):452-60. Torres D et al. Prevalence and Penetrance of BRCA1 and BRCA2 Germline Mutations in Colombian Breast Cancer Patients. Sci Rep. 2017 Jul 5;7(1):4713.

Laboratory for Molecular Medicine, Mass General Brigham Personalized Medicine
Classification: Pathogenic for Hereditary breast ovarian cancer syndrome. Last evaluated: 2016-10-04. Review status: criteria provided, single submitter. Criteria: LMM Criteria. Collection method: clinical testing. Allele origin: germline. Inheritance: Autosomal dominant inheritance. Observed: 1 variant allele. Not counted in ClinVar's aggregate classification.
Comment: The p.Asn588fs variant in BRCA2 has been reported in 7 individuals with BRCA2-as sociated cancers (Laitman 2011, Kanaan 2003, Dobricic 2013, Breast Cancer Inform ation Core (BIC) database) and was absent from large population studies. This va riant is predicted to cause a frameshift, which alters the protein?s amino acid sequence beginning at position 588 and leads to a premature termination codon 25 amino acids downstream. This alteration is then predicted to lead to a truncate d or absent protein. Heterozygous loss of function of the BRCA2 gene is an estab lished disease mechanism in individuals with hereditary breast and ovarian cance r (HBOC). In addition, this variant was classified as Pathogenic on September 8, 2016 by the ClinGen-approved ENIGMA expert panel (ClinVar SCV000300460.2). In s ummary, the p.Asn588fs variant meets our criteria to be classified as pathogenic for HBOC in an autosomal dominant manner based upon absence from controls and t he predicted impact to the protein.

Consortium of Investigators of Modifiers of BRCA1/2 (CIMBA), c/o University of Cambridge
Classification: Pathogenic for Breast-ovarian cancer, familial, susceptibility to, 2. Last evaluated: 2015-10-02. Review status: criteria provided, single submitter. Criteria: CIMBA Mutation Classification guidelines May 2016. Collection method: clinical testing. Allele origin: germline. Not counted in ClinVar's aggregate classification.

Research Molecular Genetics Laboratory, Women's College Hospital, University of Toronto
Classification: Pathogenic for Hereditary breast ovarian cancer syndrome. Last evaluated: 2014-01-31. Review status: no assertion criteria provided. Collection method: research. Allele origin: germline. Affected: yes. Study: The Canadian Open Genetics Repository (COGR). Not counted in ClinVar's aggregate classification.

Sharing Clinical Reports Project (SCRP)
Classification: Pathogenic for Breast-ovarian cancer, familial 2. Last evaluated: 2011-06-23. Review status: no assertion criteria provided. Collection method: clinical testing. Allele origin: germline. Not counted in ClinVar's aggregate classification.

Breast Cancer Information Core (BIC) (BRCA2)
Classification: Pathogenic for Breast-ovarian cancer, familial 2. Last evaluated: 2002-05-29. Review status: no assertion criteria provided. Collection method: clinical testing. Allele origin: germline. Affected: yes. Observed: 5 variant alleles. Not counted in ClinVar's aggregate classification.

Literature cited by the submitters: PubMed 20104584 (cited by Labcorp Genetics (formerly Invitae), Labcorp); PubMed 12942367 (cited by 4 submitters); PubMed 20960228 (cited by 5 submitters); PubMed 25415331 (cited by 3 submitters); PubMed 24156927 (cited by 4 submitters); PubMed 27469594 (cited by Ambry Genetics and Quest Diagnostics Nichols Institute San Juan Capistrano); PubMed 28664506 (cited by 4 submitters); PubMed 28680148 (cited by 4 submitters); PubMed 30875412 (cited by Ambry Genetics); PubMed 31159747 (cited by Ambry Genetics); PubMed 33471991 (cited by Ambry Genetics); PubMed 33646313 (cited by Quest Diagnostics Nichols Institute San Juan Capistrano and Women's Health and Genetics/Laboratory Corporation of America, LabCorp); PubMed 36605468 (cited by Quest Diagnostics Nichols Institute San Juan Capistrano); PubMed 35641219 (cited by Quest Diagnostics Nichols Institute San Juan Capistrano); PubMed 23635950 (cited by 4 submitters); PubMed 33573335 (cited by Women's Health and Genetics/Laboratory Corporation of America, LabCorp).